The following is an entry in ClinVar:

ClinVar aggregate classification (germline): Pathogenic (1 of 4 stars; one submission).

Conditions:
Primary ciliary dyskinesia 3. Identifiers: Orphanet 244, MedGen C1837618, MONDO:0012085, OMIM 608644.

Submission:

Myriad Genetics, Inc.
Classification: Pathogenic for Primary ciliary dyskinesia 3. Last evaluated: 2024-07-21. Review status: criteria provided, single submitter. Criteria: Myriad Autosomal Dominant, Autosomal Recessive and X-Linked Classification Criteria (2023). Collection method: clinical testing. Allele origin: unknown.
Comment: NM_001369.2(DNAH5):c.4030C>T(Q1344*) is expected to be pathogenic in the context of primary ciliary dyskinesia, DNAH5-related. This variant is predicted to lead to an abnormal or absent protein product due to the creation of a premature termination codon in DNAH5, a gene where loss-of-function variants are known to be pathogenic. Please note: this variant was assessed in the context of healthy population screening.

NM_001369.3(DNAH5):c.4030C>T (p.Gln1344Ter)

Genes: DNAH5 (dynein axonemal heavy chain 5; minus strand), DNAH5-AS1 (DNAH5 antisense RNA 1; plus strand). Cytogenetic location: 5p15.2.
Variant type: single nucleotide variant.
Coding change: c.4030C>T on transcript NM_001369.3 (MANE Select); coding-DNA position 4030, C replaced by T.
Protein change: p.Gln1344Ter; replaces glutamine 1344 with a stop codon.
Molecular consequence: nonsense.
Genome position (GRCh38, 1-based): chr5:13,867,797, G>A on the plus strand (C>T on the coding strand, the complement: DNAH5 is on the minus strand). VCF-style: chr5-13867797-G-A. GRCh37 (hg19) VCF-style: chr5-13867906-G-A.
Other names: short protein forms Q1344*.
Identifiers: ClinVar variation 5013338 (VCV005013338.1).